The following is an entry in ClinVar:

NM_003000.3(SDHB):c.629C>T (p.Ala210Val)

Gene: SDHB (succinate dehydrogenase complex iron sulfur subunit B; minus strand). Cytogenetic location: 1p36.13.
Variant type: single nucleotide variant.
Coding change: c.629C>T on transcript NM_003000.3 (MANE Select); coding-DNA position 629, C replaced by T.
Protein change: p.Ala210Val; replaces alanine 210 with valine.
Molecular consequence: missense variant.
Genome position (GRCh38, 1-based): chr1:17,023,986, G>A on the plus strand (C>T on the coding strand, the complement: SDHB is on the minus strand). VCF-style: chr1-17023986-G-A. GRCh37 (hg19) VCF-style: chr1-17350481-G-A.
Other names: short protein forms A210V.
Identifiers: ClinVar variation 1025072 (VCV001025072.8), dbSNP rs1252727177, ClinGen allele CA338270946.

ClinVar aggregate classification (germline): Uncertain significance. Review status: criteria provided, multiple submitters, no conflicts (2 of 4 stars). 3 submissions from 3 submitters: Uncertain significance (3). Last evaluated 2026-07-06.

Conditions:
Hereditary cancer-predisposing syndrome. Also called: Tumor predisposition; Hereditary Cancer Syndrome; Hereditary neoplastic syndrome; Neoplastic Syndromes, Hereditary. Identifiers: Orphanet 140162, MedGen C0027672, MeSH D009386, MONDO:0015356.
Pheochromocytoma/paraganglioma syndrome 4. Also called: PARAGANGLIOMA, FAMILIAL MALIGNANT; PARAGANGLIOMAS, HEREDITARY EXTRAADRENAL; PHEOCHROMOCYTOMA, FAMILIAL EXTRAADRENAL; SDHB-Related Hereditary Paraganglioma-Pheochromocytoma Syndrome (Paragangliomas 4); Paragangliomas 4; CAROTID BODY TUMORS AND MULTIPLE EXTRAADRENAL PHEOCHROMOCYTOMAS. Identifiers: Orphanet 29072, MedGen C1861848, MONDO:0007273, OMIM 115310.
Gastrointestinal stromal tumor. Also called: Gastrointestinal stromal tumor, somatic; Gastrointestinal stroma tumor. Identifiers: Orphanet 44890, MedGen C0238198, MeSH D046152, MONDO:0011719, OMIM 606764, HP:0100723.
Pheochromocytoma. Also called: MAX-Related Hereditary Paraganglioma-Pheochromocytoma Syndrome. Identifiers: Orphanet 29072, MedGen C0031511, MONDO:0008233, OMIM 171300, HP:0002666.

Allele frequency attached by ClinVar (database versions not stated): gnomAD 0.00001; TOPMed below 0.00001.
gnomAD v4.1: 1 of 1,612,738 alleles (0.000062%); highest among the groups gnomAD compares: African/African-American, 0.0013%; no homozygotes.

Submissions (3):

Ambry Genetics
Classification: Uncertain significance for Hereditary cancer-predisposing syndrome. Last evaluated: 2026-07-06. Review status: criteria provided, single submitter. Criteria: Ambry Variant Classification Scheme 2023. Collection method: clinical testing. Allele origin: germline.
Comment: The p.A210V variant (also known as c.629C>T), located in coding exon 6 of the SDHB gene, results from a C to T substitution at nucleotide position 629. The alanine at codon 210 is replaced by valine, an amino acid with similar properties. This amino acid position is conserved. In addition, this alteration is predicted to be deleterious by in silico analysis. Based on the available evidence, the clinical significance of this variant remains unclear.

Labcorp Genetics (formerly Invitae), Labcorp
Classification: Uncertain significance for Gastrointestinal stromal tumor; Pheochromocytoma/paraganglioma syndrome 4; Pheochromocytoma. Last evaluated: 2025-04-09. Review status: criteria provided, single submitter. Criteria: Invitae Variant Classification Sherloc (09022015). Collection method: clinical testing. Allele origin: germline.
Comment: This sequence change replaces alanine, which is neutral and non-polar, with valine, which is neutral and non-polar, at codon 210 of the SDHB protein (p.Ala210Val). This variant is not present in population databases (gnomAD no frequency). This variant has not been reported in the literature in individuals affected with SDHB-related conditions. ClinVar contains an entry for this variant (Variation ID: 1025072). Invitae Evidence Modeling of protein sequence and biophysical properties (such as structural, functional, and spatial information, amino acid conservation, physicochemical variation, residue mobility, and thermodynamic stability) indicates that this missense variant is expected to disrupt SDHB protein function with a positive predictive value of 80%. In summary, the available evidence is currently insufficient to determine the role of this variant in disease. Therefore, it has been classified as a Variant of Uncertain Significance.

GeneDx
Classification: Uncertain significance. Last evaluated: 2020-09-09. Review status: criteria provided, single submitter. Criteria: GeneDx Variant Classification Process June 2021. Collection method: clinical testing. Allele origin: germline. Affected: yes.
Comment: Not observed in large population cohorts (Lek 2016); In silico analysis supports that this missense variant has a deleterious effect on protein structure/function; Has not been previously published as pathogenic or benign to our knowledge